The following is an entry in ClinVar:

ClinVar aggregate classification (germline): Uncertain significance. Review status: criteria provided, multiple submitters, no conflicts (2 of 4 stars). 3 submissions from 3 submitters: Uncertain significance (3). Last evaluated 2026-03-10.

Conditions:
POLD1-related polyposis and colorectal cancer syndrome (CRCS10). Also called: Colorectal cancer, susceptibility to, 10; Colorectal cancer 10; COLORECTAL CANCER, SUSCEPTIBILITY TO, ON CHROMOSOME 19q. Identifiers: Orphanet 220460, MedGen C2675481, MONDO:0012953, OMIM 612591.

Submissions (3):

Dasa
Classification: Uncertain significance for POLD1-related polyposis and colorectal cancer syndrome. Last evaluated: 2026-03-10. Review status: criteria provided, single submitter. Criteria: DASA Assertion Criteria. Collection method: clinical testing. Allele origin: germline.
Comment: NM_002691.4(POLD1):c.1492C>T (p.Gln498*) is a nonsense variant in POLD1 predicted to introduce a premature termination codon. This variant is rare in population databases. The currently available literature and clinical evidence are not sufficient to establish a definitive association between this variant and the reported condition. Therefore, this variant is classified as a variant of uncertain significance.

Mendelics
Classification: Uncertain significance. Last evaluated: 2022-05-04. Review status: criteria provided, single submitter. Criteria: Mendelics Assertion Criteria 2019. Collection method: clinical testing. Allele origin: germline.

Labcorp Genetics (formerly Invitae), Labcorp
Classification: Uncertain significance for POLD1-related polyposis and colorectal cancer syndrome. Last evaluated: 2019-09-10. Review status: criteria provided, single submitter. Criteria: Invitae Variant Classification Sherloc (09022015). Collection method: clinical testing. Allele origin: germline.
Comment: Missense variants that disrupt the 3'-5' exonuclease (proof-reading) activity of the POLD1 protein, while not abolishing its polymerase enzyme activity, are associated with an increased risk for colonic adenomatous polyps and colon cancer (PMID: 23263490, 23447401). Loss-of-function truncating variants, which result in an absent or severely disrupted POLD1 protein, are therefore unlikely to be associated with disease. Without further clinical and genetic evidence, however, this variant has been classified as a Variant of Uncertain Significance. This variant has not been reported in the literature in individuals with POLD1-related disease. This variant is not present in population databases (ExAC no frequency). This sequence change creates a premature translational stop signal (p.Gln498*) in the POLD1 gene. It is expected to result in an absent or disrupted protein product.

Literature cited by the submitters: PubMed 23263490 (cited by Labcorp Genetics (formerly Invitae), Labcorp); PubMed 23447401 (cited by Labcorp Genetics (formerly Invitae), Labcorp).

NM_002691.4(POLD1):c.1492C>T (p.Gln498Ter)

Gene: POLD1 (DNA polymerase delta 1, catalytic subunit; plus strand). Cytogenetic location: 19q13.33.
Variant type: single nucleotide variant.
Coding change: c.1492C>T on transcript NM_002691.4 (MANE Select); coding-DNA position 1492, C replaced by T.
Protein change: p.Gln498Ter; replaces glutamine 498 with a stop codon.
Molecular consequence: nonsense. On other transcripts: non-coding transcript variant (1).
Genome position (GRCh38, 1-based): chr19:50,406,515, C>T. VCF-style: chr19-50406515-C-T. GRCh37 (hg19) VCF-style: chr19-50909772-C-T.
Other names: c.1492C>T, p.Gln498Ter (NM_001256849.1, NM_001308632.1); short protein forms Q498*.
Identifiers: ClinVar variation 643765 (VCV000643765.13), dbSNP rs1240526196, ClinGen allele CA406980327.